The following is an entry in ClinVar:

ClinVar aggregate classification (germline): Uncertain significance (1 of 4 stars; one submission).

Conditions:
Inborn genetic diseases. Identifiers: MedGen C0950123, MeSH D030342.

Submission:

Ambry Genetics
Classification: Uncertain significance for Inborn genetic diseases. Last evaluated: 2025-10-15. Review status: criteria provided, single submitter. Criteria: Ambry Variant Classification Scheme 2023. Collection method: clinical testing. Allele origin: germline.
Comment: The p.V468A variant (also known as c.1403T>C), located in coding exon 1 of the SAMD9 gene, results from a T to C substitution at nucleotide position 1403. The valine at codon 468 is replaced by alanine, an amino acid with similar properties. This amino acid position is conserved. In addition, this alteration is predicted to be tolerated by in silico analysis. Based on the available evidence, the clinical significance of this variant remains unclear.

NM_017654.4(SAMD9):c.1403T>C (p.Val468Ala)

Gene: SAMD9 (sterile alpha motif domain containing 9; minus strand). Cytogenetic location: 7q21.2.
Variant type: single nucleotide variant.
Coding change: c.1403T>C on transcript NM_017654.4 (MANE Select); coding-DNA position 1403, T replaced by C.
Protein change: p.Val468Ala; replaces valine 468 with alanine.
Molecular consequence: missense variant.
Genome position (GRCh38, 1-based): chr7:93,104,695, A>G on the plus strand (T>C on the coding strand, the complement: SAMD9 is on the minus strand). VCF-style: chr7-93104695-A-G. GRCh37 (hg19) VCF-style: chr7-92734008-A-G.
Other names: c.1403T>C, p.Val468Ala (NM_001193307.2); short protein forms V468A.
Identifiers: ClinVar variation 4629873 (VCV004629873.1).